The following is an entry in ClinVar:

ClinVar aggregate classification (germline): Uncertain significance (1 of 4 stars; one submission).

Conditions:
Familial thoracic aortic aneurysm and aortic dissection (TAAD). Also called: Thoracic aortic aneurysms and dissections. Identifiers: Orphanet 91387, MedGen C4707243, MONDO:0019625.

Allele frequency attached by ClinVar (database versions not stated): ExAC 0.00001; ESP Exome Variant Server 0.00008.

Submission:

Color Diagnostics, LLC DBA Color Health
Classification: Uncertain significance for Familial thoracic aortic aneurysm and aortic dissection. Last evaluated: 2022-11-16. Review status: criteria provided, single submitter. Criteria: ACMG Guidelines, 2015. Collection method: clinical testing. Allele origin: germline.
Comment: This missense variant replaces glycine with arginine at codon 1646 of the MYH11 protein. Computational prediction is inconclusive regarding the impact of this variant on protein structure and function (internally defined REVEL score threshold 0.5 < inconclusive < 0.7, PMID: 27666373). To our knowledge, functional studies have not been reported for this variant. This variant has not been reported in individuals affected with MYH11-related disorders in the literature. This variant has been identified in 1/251432 chromosomes in the general population by the Genome Aggregation Database (gnomAD). The available evidence is insufficient to determine the role of this variant in disease conclusively. Therefore, this variant is classified as a Variant of Uncertain Significance.

NM_002474.3(MYH11):c.4915G>A (p.Gly1639Arg)

Genes: NDE1 (nudE neurodevelopment protein 1; plus strand), MYH11 (myosin heavy chain 11; minus strand). Cytogenetic location: 16p13.11.
Variant type: single nucleotide variant.
Coding change: c.4915G>A on transcript NM_002474.3 (MANE Select); coding-DNA position 4915, G replaced by A.
Protein change: p.Gly1639Arg; replaces glycine 1639 with arginine.
Molecular consequence: missense variant. On other transcripts: intron variant (2).
Genome position (GRCh38, 1-based): chr16:15,720,189, C>T on the plus strand (G>A on the coding strand, the complement: MYH11 is on the minus strand). VCF-style: chr16-15720189-C-T. GRCh37 (hg19) VCF-style: chr16-15814046-C-T.
Other names: c.4936G>A, p.Gly1646Arg (NM_001040113.2, NM_001040114.2); c.4915G>A, p.Gly1639Arg (NM_022844.3); c.948-4002C>T (NM_001143979.2, NM_017668.3); short protein forms G1639R, G1646R.
Identifiers: ClinVar variation 2773801 (VCV002773801.2), dbSNP rs151337580, ClinGen allele CA7921510.